The following is an entry in ClinVar:

NM_001370259.2(MEN1):c.416A>C (p.His139Pro)

Gene: MEN1 (menin 1; minus strand). Cytogenetic location: 11q13.1.
Variant type: single nucleotide variant.
Coding change: c.416A>C on transcript NM_001370259.2 (MANE Select); coding-DNA position 416, A replaced by C.
Protein change: p.His139Pro; replaces histidine 139 with proline.
Molecular consequence: missense variant.
Genome position (GRCh38, 1-based): chr11:64,809,694, T>G on the plus strand (A>C on the coding strand, the complement: MEN1 is on the minus strand). VCF-style: chr11-64809694-T-G. GRCh37 (hg19) VCF-style: chr11-64577166-T-G.
Other names: c.416A>C, p.His139Pro (NM_000244.4, NM_001370251.2, NM_001370260.2 and 20 more transcripts); short protein forms H139P.
Identifiers: ClinVar variation 2137150 (VCV002137150.4), dbSNP rs1114167515, ClinGen allele CA381186786.

ClinVar aggregate classification (germline): Likely pathogenic (1 of 4 stars; one submission).

Conditions:
Multiple endocrine neoplasia, type 1 (MEN1). Also called: WERMER SYNDROME; Endocrine adenomatosis multiple; MEN 1; MEA I; MEN I. Identifiers: Orphanet 652, MedGen C0025267, MeSH D018761, MONDO:0007540, OMIM 131100.

Submission:

Labcorp Genetics (formerly Invitae), Labcorp
Classification: Likely pathogenic for Multiple endocrine neoplasia, type 1. Last evaluated: 2022-08-09. Review status: criteria provided, single submitter. Criteria: Invitae Variant Classification Sherloc (09022015). Collection method: clinical testing. Allele origin: germline.
Comment: This sequence change replaces histidine, which is basic and polar, with proline, which is neutral and non-polar, at codon 139 of the MEN1 protein (p.His139Pro). This variant is not present in population databases (gnomAD no frequency). This missense change has been observed in individual(s) with multiple endocrine neoplasia type 1 (PMID: 12746426). Advanced modeling of protein sequence and biophysical properties (such as structural, functional, and spatial information, amino acid conservation, physicochemical variation, residue mobility, and thermodynamic stability) performed at Invitae indicates that this missense variant is expected to disrupt MEN1 protein function. This variant disrupts the p.His139 amino acid residue in MEN1. Other variant(s) that disrupt this residue have been determined to be pathogenic (PMID: 9215689, 9989505, 12509449, 21917868). This suggests that this residue is clinically significant, and that variants that disrupt this residue are likely to be disease-causing. In summary, the currently available evidence indicates that the variant is pathogenic, but additional data are needed to prove that conclusively. Therefore, this variant has been classified as Likely Pathogenic.

Literature cited by the submitters: PubMed 12746426; PubMed 9215689; PubMed 9989505; PubMed 12509449; PubMed 21917868.